The following is an entry in ClinVar:

ClinVar aggregate classification (germline): Conflicting classifications of pathogenicity. Review status: criteria provided, conflicting classifications (1 of 4 stars). 2 submissions from 2 submitters: Likely pathogenic (1); Uncertain significance (1). Last evaluated 2023-08-10.

Submissions (2):

GeneDx
Classification: Likely pathogenic. Last evaluated: 2023-08-10. Review status: criteria provided, single submitter. Criteria: GeneDx Variant Classification Process June 2021. Collection method: clinical testing. Allele origin: germline. Affected: yes.
Comment: Published functional studies demonstrate a damaging effect and show that this variant significantly affects channel function (Boodhansingh et al., 2019); Not observed at significant frequency in large population cohorts (gnomAD); In silico analysis supports that this missense variant has a deleterious effect on protein structure/function; This variant is associated with the following publications: (PMID: 31464105)

Genetic Services Laboratory, University of Chicago
Classification: Uncertain significance. Last evaluated: 2016-09-23. Review status: criteria provided, single submitter. Criteria: ACMG Guidelines, 2015. Collection method: clinical testing. Allele origin: germline. Affected: no.

NM_000525.4(KCNJ11):c.490C>T (p.Leu164Phe)

Gene: KCNJ11 (potassium inwardly rectifying channel subfamily J member 11; minus strand). Cytogenetic location: 11p15.1.
Variant type: single nucleotide variant.
Coding change: c.490C>T on transcript NM_000525.4 (MANE Select); coding-DNA position 490, C replaced by T.
Protein change: p.Leu164Phe; replaces leucine 164 with phenylalanine.
Molecular consequence: missense variant.
Genome position (GRCh38, 1-based): chr11:17,387,602, G>A on the plus strand (C>T on the coding strand, the complement: KCNJ11 is on the minus strand). VCF-style: chr11-17387602-G-A. GRCh37 (hg19) VCF-style: chr11-17409149-G-A.
Other names: c.229C>T, p.Leu77Phe (NM_001166290.2, NM_001377296.1, NM_001377297.1); short protein forms L164F, L77F.
Identifiers: ClinVar variation 435557 (VCV000435557.7), dbSNP rs1554901796, ClinGen allele CA379773262.